The following is an entry in ClinVar:

NM_000465.4(BARD1):c.1402G>A (p.Ala468Thr)

Gene: BARD1 (BRCA1 associated RING domain 1; minus strand). Cytogenetic location: 2q35.
Variant type: single nucleotide variant.
Coding change: c.1402G>A on transcript NM_000465.4 (MANE Select); coding-DNA position 1402, G replaced by A.
Protein change: p.Ala468Thr; replaces alanine 468 with threonine.
Molecular consequence: missense variant. On other transcripts: non-coding transcript variant (3), intron variant (3).
Genome position (GRCh38, 1-based): chr2:214,767,648, C>T on the plus strand (G>A on the coding strand, the complement: BARD1 is on the minus strand). VCF-style: chr2-214767648-C-T. GRCh37 (hg19) VCF-style: chr2-215632372-C-T.
Other names: c.1345G>A, p.Ala449Thr (NM_001282543.2); c.159-15093G>A (NM_001282548.2); c.216-15093G>A (NM_001282545.2); c.364+24649G>A (NM_001282549.2); short protein forms A449T, A468T.
Identifiers: ClinVar variation 961778 (VCV000961778.10), dbSNP rs1574789137, ClinGen allele CA350448878.

ClinVar aggregate classification (germline): Uncertain significance (1 of 4 stars; one submission).

Conditions:
Familial cancer of breast. Also called: BREAST CANCER, FAMILIAL; Hereditary breast cancer; hereditary breast carcinoma. Identifiers: Orphanet 227535, MedGen C0346153, MONDO:0016419, OMIM 114480. Disease mechanism: loss of function.

Submission:

Labcorp Genetics (formerly Invitae), Labcorp
Classification: Uncertain significance for Familial cancer of breast. Last evaluated: 2019-07-31. Review status: criteria provided, single submitter. Criteria: Invitae Variant Classification Sherloc (09022015). Collection method: clinical testing. Allele origin: germline.
Comment: In summary, the available evidence is currently insufficient to determine the role of this variant in disease. Therefore, it has been classified as a Variant of Uncertain Significance. Algorithms developed to predict the effect of missense changes on protein structure and function (SIFT, PolyPhen-2, Align-GVGD) all suggest that this variant is likely to be disruptive, but these predictions have not been confirmed by published functional studies and their clinical significance is uncertain. This variant has not been reported in the literature in individuals with BARD1-related conditions. This variant is not present in population databases (ExAC no frequency). This sequence change replaces alanine with threonine at codon 468 of the BARD1 protein (p.Ala468Thr). The alanine residue is highly conserved and there is a small physicochemical difference between alanine and threonine.